The following is an entry in ClinVar:

ClinVar aggregate classification (germline): Uncertain significance. Review status: criteria provided, multiple submitters, no conflicts (2 of 4 stars). 2 submissions from 2 submitters: Uncertain significance (2). Last evaluated 2025-09-10.

Conditions:
Inborn genetic diseases. Identifiers: MedGen C0950123, MeSH D030342.

Allele frequency attached by ClinVar (database versions not stated): gnomAD exomes below 0.00001; gnomAD 0.00001; TOPMed 0.00001; ExAC 0.00002; 1000 Genomes Project 0.00020; 1000 Genomes Project 30x 0.00031.
gnomAD v4.1: 6 of 1,612,118 alleles (0.00037%); highest among the groups gnomAD compares: East Asian, 0.013%; no homozygotes.

Submissions (2):

Ambry Genetics
Classification: Uncertain significance for Inborn genetic diseases. Last evaluated: 2025-09-10. Review status: criteria provided, single submitter. Criteria: Ambry Variant Classification Scheme 2023. Collection method: clinical testing. Allele origin: germline.

Labcorp Genetics (formerly Invitae), Labcorp
Classification: Uncertain significance. Last evaluated: 2022-05-21. Review status: criteria provided, single submitter. Criteria: Invitae Variant Classification Sherloc (09022015). Collection method: clinical testing. Allele origin: germline.
Comment: This variant has not been reported in the literature in individuals affected with HELLS-related conditions. In summary, the available evidence is currently insufficient to determine the role of this variant in disease. Therefore, it has been classified as a Variant of Uncertain Significance. Algorithms developed to predict the effect of missense changes on protein structure and function output the following: SIFT: "Tolerated"; PolyPhen-2: "Benign"; Align-GVGD: "Class C0". The glutamic acid amino acid residue is found in multiple mammalian species, which suggests that this missense change does not adversely affect protein function. This variant is present in population databases (rs201040701, gnomAD 0.03%). This sequence change replaces lysine, which is basic and polar, with glutamic acid, which is acidic and polar, at codon 320 of the HELLS protein (p.Lys320Glu).

NM_018063.5(HELLS):c.958A>G (p.Lys320Glu)

Gene: HELLS (helicase, lymphoid specific; plus strand). Cytogenetic location: 10q23.33.
Variant type: single nucleotide variant.
Coding change: c.958A>G on transcript NM_018063.5 (MANE Select); coding-DNA position 958, A replaced by G.
Protein change: p.Lys320Glu; replaces lysine 320 with glutamic acid.
Molecular consequence: missense variant. On other transcripts: 5 prime UTR variant (1), intron variant (3).
Genome position (GRCh38, 1-based): chr10:94,576,731, A>G. VCF-style: chr10-94576731-A-G. GRCh37 (hg19) VCF-style: chr10-96336488-A-G.
Other names: c.958A>G, p.Lys320Glu (NM_001289067.2, NM_001289070.2); c.910A>G, p.Lys304Glu (NM_001289068.2); c.586A>G, p.Lys196Glu (NM_001289071.2); c.544A>G, p.Lys182Glu (NM_001289073.2); c.-64A>G (NM_001289075.2); c.-67+22A>G (NM_001289074.2); c.936+22A>G (NM_001289069.2, NM_001289072.2); c.958A>G (NM_018063.3); short protein forms K196E, K304E, K320E, K182E.
Identifiers: ClinVar variation 1897859 (VCV001897859.5), dbSNP rs201040701, ClinGen allele CA5615391.
Genomic context (GRCh38, chr10:94,576,731, plus strand): 5'-ATGTTATATCATGGAACCCAGGAGGAACGTCAAAAATTGGTAAGAAATATTTACAAACGG[A>G]AAGGGACTTTGCAGATTCATCCTGTGGTAATCACGTCATTTGAAATAGCCATGAGAGACC-3'
Protein context (NP_060533.2, residues 310-330): QKLVRNIYKR[Lys320Glu]GTLQIHPVVI